The following is an entry in ClinVar:

NM_004082.5(DCTN1):c.419C>T (p.Pro140Leu)

Gene: DCTN1 (dynactin subunit 1; minus strand). Cytogenetic location: 2p13.1.
Variant type: single nucleotide variant.
Coding change: c.419C>T on transcript NM_004082.5 (MANE Select); coding-DNA position 419, C replaced by T.
Protein change: p.Pro140Leu; replaces proline 140 with leucine.
Molecular consequence: missense variant. On other transcripts: intron variant (3).
Genome position (GRCh38, 1-based): chr2:74,374,336, G>A on the plus strand (C>T on the coding strand, the complement: DCTN1 is on the minus strand). VCF-style: chr2-74374336-G-A. GRCh37 (hg19) VCF-style: chr2-74601463-G-A.
Other names: c.17C>T, p.Pro6Leu (NM_001135041.3, NM_023019.4); c.398C>T, p.Pro133Leu (NM_001190837.2); c.368C>T, p.Pro123Leu (NM_001378991.1); c.343-2608C>T (NM_001190836.2); c.364-1388C>T (NM_001378992.1); c.394-2608C>T (NM_001135040.3); short protein forms P140L, P6L, P133L, P123L.
Identifiers: ClinVar variation 576560 (VCV000576560.9), dbSNP rs147939455, ClinGen allele CA1722471.
Genomic context (GRCh38, chr2:74,374,336, plus strand): 5'-CCATTGCCCTGGCAACCCAGCAGCAGGACGAGAGCAAGCAAGAGTACCTTTCGGGCTGTC[G>A]GTGCCTGTCTCATCATTGCAGAAAACCAAAGAAAGCAAGGAGAGGAAAGAGGAGGGACAG-3'
Protein context (NP_004073.2, residues 130-150): KLRGLKPKKA[Pro140Leu]TARKTTTRRP

ClinVar aggregate classification (germline): Uncertain significance (1 of 4 stars; one submission).

Conditions:
Amyotrophic lateral sclerosis type 1 (ALS1). Also called: AMYOTROPHIC LATERAL SCLEROSIS 1, FAMILIAL. Identifiers: Orphanet 803, MedGen C1862939, MONDO:0007103, OMIM 105400.
Perry syndrome. Also called: PARKINSONISM WITH ALVEOLAR HYPOVENTILATION AND MENTAL DEPRESSION. Identifiers: Orphanet 178509, MedGen C1868594, MONDO:0008201, OMIM 168605.
Neuronopathy, distal hereditary motor, type 7B. Also called: Distal Hereditary Motor Neuronopathy Type 7B (dHMN7B); NEURONOPATHY, DISTAL HEREDITARY MOTOR, AUTOSOMAL DOMINANT 14; NEURONOPATHY, DISTAL HEREDITARY MOTOR, HARDING TYPE VIIB; NEUROPATHY, DISTAL HEREDITARY MOTOR, HARDING TYPE VIIB; NEUROPATHY, DISTAL HEREDITARY MOTOR, WITH VOCAL CORD PARALYSIS, HARDING TYPE VIIB; HMN VIIB. Identifiers: Orphanet 139589, MedGen C1843315, MONDO:0011879, OMIM 607641.

Allele frequency attached by ClinVar (database versions not stated): gnomAD exomes below 0.00001; ExAC 0.00001; TOPMed 0.00003; ESP Exome Variant Server 0.00008.
gnomAD v4.1: 6 of 1,613,122 alleles (0.00037%); highest among the groups gnomAD compares: African/African-American, 0.0013%; no homozygotes.

Submission:

Labcorp Genetics (formerly Invitae), Labcorp
Classification: Uncertain significance for Amyotrophic lateral sclerosis type 1; Neuronopathy, distal hereditary motor, type 7B; Perry syndrome. Last evaluated: 2025-12-14. Review status: criteria provided, single submitter. Criteria: Invitae Variant Classification Sherloc (09022015). Collection method: clinical testing. Allele origin: germline.
Comment: This sequence change replaces proline, which is neutral and non-polar, with leucine, which is neutral and non-polar, at codon 140 of the DCTN1 protein (p.Pro140Leu). This variant is present in population databases (rs147939455, gnomAD 0.0009%). This missense change has been observed in individual(s) with clinical features of DCTN1-related conditions (PMID: 33601107). ClinVar contains an entry for this variant (Variation ID: 576560). Invitae Evidence Modeling of protein sequence and biophysical properties (such as structural, functional, and spatial information, amino acid conservation, physicochemical variation, residue mobility, and thermodynamic stability) indicates that this missense variant is not expected to disrupt DCTN1 protein function with a negative predictive value of 95%. In summary, the available evidence is currently insufficient to determine the role of this variant in disease. Therefore, it has been classified as a Variant of Uncertain Significance.

Literature cited by the submitters: PubMed 33601107.